The following is an entry in ClinVar:

NM_005120.3(MED12):c.205-3C>T

Gene: MED12 (mediator complex subunit 12; plus strand). Cytogenetic location: Xq13.1.
Variant type: single nucleotide variant.
Coding change: c.205-3C>T on transcript NM_005120.3 (MANE Select); 3 bases into the intron before coding-DNA position 205, C replaced by T.
Molecular consequence: intron variant.
Genome position (GRCh38, 1-based): chrX:71,119,683, C>T. VCF-style: chrX-71119683-C-T. GRCh37 (hg19) VCF-style: chrX-70339533-C-T.
Identifiers: ClinVar variation 2076193 (VCV002076193.4), dbSNP rs1373874214, ClinGen allele CA877813931.

ClinVar aggregate classification (germline): Uncertain significance (1 of 4 stars; one submission).

Conditions:
FG syndrome (FGS). Identifiers: MedGen C0220769, MONDO:0002010.

Allele frequency attached by ClinVar (database versions not stated): TOPMed below 0.00001; gnomAD 0.00001.

Submission:

Labcorp Genetics (formerly Invitae), Labcorp
Classification: Uncertain significance for FG syndrome. Last evaluated: 2022-09-27. Review status: criteria provided, single submitter. Criteria: Invitae Variant Classification Sherloc (09022015). Collection method: clinical testing. Allele origin: germline.
Comment: This variant has not been reported in the literature in individuals affected with MED12-related conditions. In summary, the available evidence is currently insufficient to determine the role of this variant in disease. Therefore, it has been classified as a Variant of Uncertain Significance. Variants that disrupt the consensus splice site are a relatively common cause of aberrant splicing (PMID: 17576681, 9536098). Algorithms developed to predict the effect of sequence changes on RNA splicing suggest that this variant is not likely to affect RNA splicing. This sequence change falls in intron 2 of the MED12 gene. It does not directly change the encoded amino acid sequence of the MED12 protein. It affects a nucleotide within the consensus splice site. This variant is not present in population databases (gnomAD no frequency).

Literature cited by the submitters: PubMed 17576681; PubMed 9536098.